The following is an entry in ClinVar:

NM_001042492.3(NF1):c.4007A>C (p.Gln1336Pro)

Gene: NF1 (neurofibromin 1; plus strand). Cytogenetic location: 17q11.2.
Variant type: single nucleotide variant.
Coding change: c.4007A>C on transcript NM_001042492.3 (MANE Select); coding-DNA position 4007, A replaced by C.
Protein change: p.Gln1336Pro; replaces glutamine 1336 with proline.
Molecular consequence: missense variant.
Genome position (GRCh38, 1-based): chr17:31,249,016, A>C. VCF-style: chr17-31249016-A-C. GRCh37 (hg19) VCF-style: chr17-29576034-A-C.
Other names: c.4007A>C, p.Gln1336Pro (NM_000267.4); short protein forms Q1336P.
Identifiers: ClinVar variation 824496 (VCV000824496.4), dbSNP rs1597735043, ClinGen allele CA398994878.
Genomic context (GRCh38, chr17:31,249,016, plus strand): 5'-TTAGGATTTTATTTTTATTTTTTTGTAGGTTAGAACCATCAGAGAGCCTTGAGGAAAACC[A>C]GCGGAACCTCCTTCAGATGACTGAAAAGTTCTTCCATGCCATCATCAGTTCCTCCTCAGA-3'
Protein context (NP_001035957.1, residues 1326-1346): LEPSESLEEN[Gln1336Pro]RNLLQMTEKF

ClinVar aggregate classification (germline): Uncertain significance (1 of 4 stars; one submission).

Conditions:
Hereditary cancer-predisposing syndrome. Also called: Neoplastic Syndromes, Hereditary; Tumor predisposition; Hereditary neoplastic syndrome; Hereditary Cancer Syndrome. Identifiers: Orphanet 140162, MedGen C0027672, MeSH D009386, MONDO:0015356.
Cardiovascular phenotype. Identifiers: MedGen CN230736.

gnomAD v4.1: 1 of 1,614,150 alleles (0.000062%); highest among the groups gnomAD compares: Non-Finnish European, 0.000085%; no homozygotes.

Submission:

Ambry Genetics
Classification: Uncertain significance for Cardiovascular phenotype; Hereditary cancer-predisposing syndrome. Last evaluated: 2019-05-15. Review status: criteria provided, single submitter. Criteria: Ambry Variant Classification Scheme 2023. Collection method: clinical testing. Allele origin: germline.
Comment: The p.Q1336P variant (also known as c.4007A>C), located in coding exon 30 of the NF1 gene, results from an A to C substitution at nucleotide position 4007. The glutamine at codon 1336 is replaced by proline, an amino acid with similar properties. This amino acid position is highly conserved in available vertebrate species. In addition, this alteration is predicted to be deleterious by in silico analysis. Since supporting evidence is limited at this time, the clinical significance of this alteration remains unclear.